The following is an entry in ClinVar:

NM_001271.4(CHD2):c.3241C>T (p.Gln1081Ter)

Gene: CHD2 (chromodomain helicase DNA binding protein 2; plus strand). Cytogenetic location: 15q26.1.
Variant type: single nucleotide variant.
Coding change: c.3241C>T on transcript NM_001271.4 (MANE Select); coding-DNA position 3241, C replaced by T.
Protein change: p.Gln1081Ter; replaces glutamine 1081 with a stop codon.
Molecular consequence: nonsense.
Genome position (GRCh38, 1-based): chr15:92,985,501, C>T. VCF-style: chr15-92985501-C-T. GRCh37 (hg19) VCF-style: chr15-93528731-C-T.
Other names: short protein forms Q1081*.
Identifiers: ClinVar variation 5042035 (VCV005042035.1).

ClinVar aggregate classification (germline): Pathogenic (1 of 4 stars; one submission).

Conditions:
Developmental and epileptic encephalopathy 94 (DEE94). Also called: Epileptic encephalopathy, childhood-onset; CHD2-Related Neurodevelopmental Disorders. Identifiers: Orphanet 1942, Orphanet 2382, MedGen C3809278, MONDO:0014150, OMIM 615369.

gnomAD v4.1: 1 of 1,610,948 alleles (0.000062%); highest among the groups gnomAD compares: Non-Finnish European, 0.000085%; no homozygotes.

Submission:

Clinical Genetics Laboratory, University Hospital Schleswig-Holstein
Classification: Pathogenic for Developmental and epileptic encephalopathy 94. Last evaluated: 2025-02-11. Review status: criteria provided, single submitter. Criteria: ACMG Guidelines, 2015. Collection method: clinical testing. Allele origin: germline. Affected: yes. Observed: 1 heterozygote.
Comment: ACMG criteria applied: PM2, PVS1, PP4